The following is an entry in ClinVar:

NM_001100913.3(PACS2):c.811T>A (p.Ser271Thr)

Gene: PACS2 (phosphofurin acidic cluster sorting protein 2; plus strand). Cytogenetic location: 14q32.33.
Variant type: single nucleotide variant.
Coding change: c.811T>A on transcript NM_001100913.3 (MANE Select); coding-DNA position 811, T replaced by A.
Protein change: p.Ser271Thr; replaces serine 271 with threonine.
Molecular consequence: missense variant.
Genome position (GRCh38, 1-based): chr14:105,376,777, T>A. VCF-style: chr14-105376777-T-A. GRCh37 (hg19) VCF-style: chr14-105843114-T-A.
Other names: c.811T>A (NM_001100913.2); c.586T>A, p.Ser196Thr (NM_001243127.3); c.811T>A, p.Ser271Thr (NM_015197.4); short protein forms S196T, S271T.
Identifiers: ClinVar variation 1354695 (VCV001354695.9), dbSNP rs2141208686, ClinGen allele CA391178562.

ClinVar aggregate classification (germline): Uncertain significance. Review status: criteria provided, multiple submitters, no conflicts (2 of 4 stars). 2 submissions from 2 submitters: Uncertain significance (2). Last evaluated 2024-11-19.

Submissions (2):

GeneDx
Classification: Uncertain significance. Last evaluated: 2024-11-19. Review status: criteria provided, single submitter. Criteria: GeneDx Variant Classification Process June 2021. Collection method: clinical testing. Allele origin: germline. Affected: yes.
Comment: Not observed at significant frequency in large population cohorts (gnomAD); In silico analysis indicates that this missense variant does not alter protein structure/function; Has not been previously published as pathogenic or benign to our knowledge

Labcorp Genetics (formerly Invitae), Labcorp
Classification: Uncertain significance. Last evaluated: 2021-03-27. Review status: criteria provided, single submitter. Criteria: Invitae Variant Classification Sherloc (09022015). Collection method: clinical testing. Allele origin: germline.
Comment: In summary, the available evidence is currently insufficient to determine the role of this variant in disease. Therefore, it has been classified as a Variant of Uncertain Significance. Algorithms developed to predict the effect of missense changes on protein structure and function are either unavailable or do not agree on the potential impact of this missense change (SIFT: "Tolerated"; PolyPhen-2: "Probably Damaging"; Align-GVGD: "Class C0"). This variant has not been reported in the literature in individuals with PACS2-related conditions. This variant is not present in population databases (ExAC no frequency). This sequence change replaces serine with threonine at codon 271 of the PACS2 protein (p.Ser271Thr). The serine residue is highly conserved and there is a small physicochemical difference between serine and threonine.